The following is an entry in ClinVar:

ClinVar aggregate classification (germline): Benign. Review status: criteria provided, multiple submitters, no conflicts (2 of 4 stars). 2 submissions from 2 submitters: Benign (2). Last evaluated 2016-03-14.

Allele frequency attached by ClinVar (database versions not stated): gnomAD 0.01336 and 0.01369; gnomAD exomes 0.01369 and 0.01524; 1000 Genomes Project 0.00599; TOPMed 0.01004; ESP Exome Variant Server 0.01301; 1000 Genomes Project 30x 0.00640; ExAC 0.01440.
gnomAD v4.1: 22,171 of 1,613,276 alleles (1.4%); highest among the groups gnomAD compares: Middle Eastern, 3.3%; 272 homozygotes.

Submissions (2):

GeneDx
Classification: Benign. Last evaluated: 2016-03-14. Review status: criteria provided, single submitter. Criteria: GeneDx Variant Classification (06012015). Collection method: clinical testing. Allele origin: germline. Affected: yes.
Comment: This variant is considered likely benign or benign based on one or more of the following criteria: it is a conservative change, it occurs at a poorly conserved position in the protein, it is predicted to be benign by multiple in silico algorithms, and/or has population frequency not consistent with disease.

Breakthrough Genomics
Classification: Benign. Review status: criteria provided, single submitter. Criteria: ACMG Guidelines, 2015. Collection method: not provided. Allele origin: germline. Inheritance: Autosomal recessive inheritance. Affected: yes.

NM_001875.4(CPS1):c.-78986G>A

Gene: CPS1 (carbamoyl-phosphate synthase 1; plus strand). Cytogenetic location: 2q34.
Variant type: single nucleotide variant.
Coding change: c.-78986G>A on transcript NM_001875.4; 78986 bases upstream of the start codon, G replaced by A.
Molecular consequence: 5 prime UTR variant (on NM_001122633.3).
Genome position (GRCh38, 1-based): chr2:210,477,748, G>A. VCF-style: chr2-210477748-G-A. GRCh37 (hg19) VCF-style: chr2-211342472-G-A.
Other names: c.-34G>A (NM_001122633.3); c.-154G>A (NM_001369257.1).
Identifiers: ClinVar variation 380167 (VCV000380167.4), dbSNP rs111491997, ClinGen allele CA2085899.